The following is an entry in ClinVar:

ClinVar aggregate classification (germline): Benign/Likely benign. Review status: criteria provided, multiple submitters, no conflicts (2 of 4 stars). 9 submissions from 8 submitters: Benign (1); Likely benign (7). 1 of the submissions does not count toward it. Last evaluated 2026-06-01.

Conditions:
SETX-related disorder. Also called: SETX-related disorders; SETX-related condition. Identifiers: MedGen CN239403.
Inborn genetic diseases. Identifiers: MedGen C0950123, MeSH D030342.
Spinocerebellar ataxia, autosomal recessive, with axonal neuropathy 2 (SCAN2). Also called: Ataxia-ocular apraxia-2; Ataxia with Oculomotor Apraxia; Ataxia with Oculomotor Apraxia Type 2; ATAXIA-OCULOMOTOR APRAXIA 2. Identifiers: Orphanet 64753, MedGen C1853761, MONDO:0018996, OMIM 606002.
Amyotrophic lateral sclerosis type 4 (ALS4). Also called: AMYOTROPHIC LATERAL SCLEROSIS 4, JUVENILE; NEURONOPATHY, DISTAL HEREDITARY MOTOR, WITH PYRAMIDAL FEATURES. Identifiers: Orphanet 357043, MedGen C1865409, MONDO:0011223, OMIM 602433.

Allele frequency attached by ClinVar (database versions not stated): gnomAD exomes 0.00005 and 0.00010; ESP Exome Variant Server 0.00008; gnomAD 0.00008 and 0.00009; ExAC 0.00010; TOPMed 0.00011.
gnomAD v4.1: 93 of 1,614,056 alleles (0.0058%); highest among the groups gnomAD compares: Middle Eastern, 0.016%; 1 homozygote.

Submissions (9):

CeGaT Center for Human Genetics Tuebingen
Classification: Likely benign. Last evaluated: 2026-06-01. Review status: criteria provided, single submitter. Criteria: CeGaT Center For Human Genetics Tuebingen Variant Classification Criteria Version 2. Collection method: clinical testing. Allele origin: germline. Affected: yes. Observed: 1 variant allele.
Comment: SETX: BP4, BP7

Labcorp Genetics (formerly Invitae), Labcorp
Classification: Likely benign for Amyotrophic lateral sclerosis type 4; Spinocerebellar ataxia, autosomal recessive, with axonal neuropathy 2. Last evaluated: 2026-01-25. Review status: criteria provided, single submitter. Criteria: Invitae Variant Classification Sherloc (09022015). Collection method: clinical testing. Allele origin: germline.

Genome-Nilou Lab
Classification: Likely benign for Spinocerebellar ataxia, autosomal recessive, with axonal neuropathy 2. Last evaluated: 2023-02-08. Review status: criteria provided, single submitter. Criteria: ACMG Guidelines, 2015. Collection method: clinical testing. Allele origin: germline.

Genome-Nilou Lab
Classification: Likely benign for Amyotrophic lateral sclerosis type 4. Last evaluated: 2023-02-08. Review status: criteria provided, single submitter. Criteria: ACMG Guidelines, 2015. Collection method: clinical testing. Allele origin: germline.

Blueprint Genetics
Classification: Likely benign. Last evaluated: 2023-01-25. Review status: criteria provided, single submitter. Criteria: ACMG Guidelines, 2015. Collection method: clinical testing. Allele origin: germline.

Athena Diagnostics
Classification: Benign. Last evaluated: 2020-02-21. Review status: criteria provided, single submitter. Criteria: Athena Diagnostics Criteria. Collection method: clinical testing. Allele origin: unknown.

Ambry Genetics
Classification: Likely benign for Inborn genetic diseases. Last evaluated: 2019-07-11. Review status: criteria provided, single submitter. Criteria: Ambry Variant Classification Scheme 2023. Collection method: clinical testing. Allele origin: germline.

Breakthrough Genomics
Classification: Likely benign. Review status: criteria provided, single submitter. Criteria: ACMG Guidelines, 2015. Collection method: not provided. Allele origin: germline. Inheritance: Autosomal recessive inheritance. Affected: yes.

PreventionGenetics, part of Exact Sciences
Classification: Likely benign for SETX-related condition. Last evaluated: 2023-02-27. Review status: no assertion criteria provided. Collection method: clinical testing. Allele origin: germline. Not counted in ClinVar's aggregate classification.
Comment: This variant is classified as likely benign based on ACMG/AMP sequence variant interpretation guidelines (Richards et al. 2015 PMID: 25741868, with internal and published modifications).

NM_015046.7(SETX):c.4677A>G (p.Lys1559=)

Gene: SETX (senataxin; minus strand). Cytogenetic location: 9q34.13.
Variant type: single nucleotide variant.
Coding change: c.4677A>G on transcript NM_015046.7 (MANE Select); coding-DNA position 4677, A replaced by G.
Protein change: p.Lys1559=; no amino-acid change (lysine 1559 retained).
Molecular consequence: synonymous variant.
Genome position (GRCh38, 1-based): chr9:132,326,921, T>C on the plus strand (A>G on the coding strand, the complement: SETX is on the minus strand). VCF-style: chr9-132326921-T-C. GRCh37 (hg19) VCF-style: chr9-135202308-T-C.
Other names: c.4677A>G, p.Lys1559= (NM_001351527.2, NM_001351528.2).
Identifiers: ClinVar variation 536405 (VCV000536405.18), dbSNP rs200123129, ClinGen allele CA5297153.